The following is an entry in ClinVar:

ClinVar aggregate classification (germline): Likely benign (1 of 4 stars; one submission).

Conditions:
Spinocerebellar ataxia type 42. Identifiers: Orphanet 458803, MedGen C4225205, MONDO:0014776, OMIM 616795.

Submission:

Centre for Medical Genetics,  Mumbai
Classification: Likely benign for Spinocerebellar ataxia type 42. Last evaluated: 2026-02-18. Review status: criteria provided, single submitter. Criteria: ACMG Guidelines, 2015. Collection method: provider interpretation. Allele origin: germline. Inheritance: Autosomal dominant inheritance. Affected: no. Observed: 1 heterozygote.
Comment: The variant satisfies PM2 criteria; Extremely low frequency in gnomAD population databases. The variant satisfies PM4 criteria; Protein length changes resulting from in-frame deletions/insertions in a non-repeat region or a stop-loss variant. However, the variant satisfies BS2 criteria.

Literature cited by the submitters: PubMed 26456284.

NM_018896.5(CACNA1G):c.5601_5612del (p.1865AELE[1])

Gene: CACNA1G (calcium voltage-gated channel subunit alpha1 G; plus strand). Cytogenetic location: 17q21.33.
Variant type: Deletion.
Coding change: c.5601_5612del on transcript NM_018896.5 (MANE Select); coding-DNA positions 5601 to 5612, 12 bases deleted (AGAGGCTGAGCT).
Protein change: p.1865AELE[1].
Molecular consequence: non-coding transcript variant (on NR_046054.2).
Genome position (GRCh38, 1-based): chr17:50,618,828-50,618,839, AGAGGCTGAGCT deleted; deleting any 12 consecutive bases within chr17:50,618,823-50,618,839 gives the same sequence; the c. name uses the placement nearest the transcript's 3' end. VCF-style (leftmost placement, unchanged base first): chr17-50618822-CGAGCTAGAGGCT-C. GRCh37 (hg19) VCF-style: chr17-48696183-CGAGCTAGAGGCT-C.
Other names: c.5547_5558del, p.1847AELE[1] (NM_001256324.2, NM_198386.3); c.5622_5633del, p.1872AELE[1] (NM_001256325.2); c.5466_5477del, p.1820AELE[1] (NM_001256326.2, NM_001256330.2); c.5580_5591del, p.1858AELE[1] (NM_001256327.2); c.5526_5537del, p.1840AELE[1] (NM_001256328.2); c.5499_5510del, p.1831AELE[1] (NM_001256329.2, NM_198376.3, NM_198379.3 and 2 more transcripts); c.5445_5456del, p.1813AELE[1] (NM_001256331.2); c.5430_5441del, p.1808AELE[1] (NM_001256332.2); and 7 more.
Identifiers: ClinVar variation 4795871 (VCV004795871.1).